The following is an entry in ClinVar:

ClinVar aggregate classification (germline): Uncertain significance. Review status: criteria provided, multiple submitters, no conflicts (2 of 4 stars). 4 submissions from 4 submitters: Uncertain significance (4). Last evaluated 2026-07-31.

Conditions:
Osteogenesis imperfecta type 8 (OI8). Identifiers: MedGen C1970458, MONDO:0012581, OMIM 610915.
Osteogenesis Imperfecta, Recessive.

Allele frequency attached by ClinVar (database versions not stated): gnomAD 0.00001 and 0.00002; gnomAD exomes 0.00003 and 0.00004; TOPMed below 0.00001; ExAC 0.00002.

Submissions (5):

GeneDx
Classification: Uncertain significance. Last evaluated: 2026-07-31. Review status: criteria provided, single submitter. Criteria: GeneDx Variant Classification Process June 2021. Collection method: clinical testing. Allele origin: germline.
Comment: In silico analysis supports that this missense variant has a deleterious effect on protein structure/function; In silico analysis suggests this variant may impact gene splicing. In the absence of RNA/functional studies, the actual effect of this sequence change is unknown.; Has not been previously published as pathogenic or benign to our knowledge

Genome-Nilou Lab
Classification: Uncertain significance for Osteogenesis imperfecta type 8. Last evaluated: 2023-04-11. Review status: criteria provided, single submitter. Criteria: ACMG Guidelines, 2015. Collection method: clinical testing. Allele origin: germline. Affected: no.

Labcorp Genetics (formerly Invitae), Labcorp
Classification: Uncertain significance for Osteogenesis imperfecta type 8. Last evaluated: 2022-03-12. Review status: criteria provided, single submitter. Criteria: Invitae Variant Classification Sherloc (09022015). Collection method: clinical testing. Allele origin: germline.
Comment: This sequence change replaces leucine, which is neutral and non-polar, with arginine, which is basic and polar, at codon 200 of the P3H1 protein (p.Leu200Arg). This variant is present in population databases (rs747865105, gnomAD 0.04%). This variant has not been reported in the literature in individuals affected with P3H1-related conditions. ClinVar contains an entry for this variant (Variation ID: 874690). Algorithms developed to predict the effect of missense changes on protein structure and function are either unavailable or do not agree on the potential impact of this missense change (SIFT: "Deleterious"; PolyPhen-2: "Benign"; Align-GVGD: "Class C45"). Algorithms developed to predict the effect of sequence changes on RNA splicing suggest that this variant may create or strengthen a splice site. In summary, the available evidence is currently insufficient to determine the role of this variant in disease. Therefore, it has been classified as a Variant of Uncertain Significance.

Illumina Laboratory Services, Illumina
Classification: Uncertain significance for Osteogenesis Imperfecta, Recessive. Last evaluated: 2017-04-27. Review status: criteria provided, single submitter. Criteria: ICSL Variant Classification Criteria 13 December 2019. Collection method: clinical testing. Allele origin: germline.

Dr. Peter K. Rogan Lab, Western University
No classification provided (evidence only). Condition: Hepatocellular carcinoma. Review status: no classification provided. Collection method: in vitro. Allele origin: not applicable. Functional consequence: skipped exon. Not counted in ClinVar's aggregate classification.

NM_022356.4(P3H1):c.599T>G (p.Leu200Arg)

Gene: P3H1 (prolyl 3-hydroxylase 1; minus strand). Cytogenetic location: 1p34.2.
Variant type: single nucleotide variant.
Coding change: c.599T>G on transcript NM_022356.4 (MANE Select); coding-DNA position 599, T replaced by G.
Protein change: p.Leu200Arg; replaces leucine 200 with arginine.
Molecular consequence: missense variant.
Genome position (GRCh38, 1-based): chr1:42,762,342, A>C on the plus strand (T>G on the coding strand, the complement: P3H1 is on the minus strand). VCF-style: chr1-42762342-A-C. GRCh37 (hg19) VCF-style: chr1-43228013-A-C.
Other names: c.599T>G, p.Leu200Arg (NM_001146289.2, NM_001243246.2); short protein forms L200R.
Identifiers: ClinVar variation 874690 (VCV000874690.10), dbSNP rs747865105, ClinGen allele CA802147.
Genomic context (GRCh38, chr1:42,762,342, plus strand): 5'-TAAAAAGAAAGAAAGAAAGAAGGGGATAAAGTTTTTTTCACCATATGGGGTTGAGTCTCA[A>C]GATCCTTGAAGTCGGCCTCCTTCACTCCAGACATGGTTTGGTAATAGTCTAGGTTCTGCT-3'
Protein context (NP_071751.3, residues 190-210): SGVKEADFKD[Leu200Arg]ETQPHMQEFR